The following is an entry in ClinVar:

ClinVar aggregate classification (germline): Uncertain significance (1 of 4 stars; one submission).

gnomAD v4.1: 12 of 1,589,038 alleles (0.00076%); highest among the groups gnomAD compares: East Asian, 0.0045%; no homozygotes.

Submission:

Labcorp Genetics (formerly Invitae), Labcorp
Classification: Uncertain significance. Last evaluated: 2025-09-20. Review status: criteria provided, single submitter. Criteria: Invitae Variant Classification Sherloc (09022015). Collection method: clinical testing. Allele origin: germline.
Comment: This sequence change replaces arginine, which is basic and polar, with histidine, which is basic and polar, at codon 302 of the PPM1F protein (p.Arg302His). This variant is present in population databases (rs549205418, gnomAD 0.01%). This variant has not been reported in the literature in individuals affected with PPM1F-related conditions. An algorithm developed to predict the effect of missense changes on protein structure and function (PolyPhen-2) suggests that this variant is likely to be disruptive. In summary, the available evidence is currently insufficient to determine the role of this variant in disease. Therefore, it has been classified as a Variant of Uncertain Significance.

NM_014634.4(PPM1F):c.905G>A (p.Arg302His)

Gene: PPM1F (protein phosphatase, Mg2+/Mn2+ dependent 1F; minus strand). Cytogenetic location: 22q11.22.
Variant type: single nucleotide variant.
Coding change: c.905G>A on transcript NM_014634.4 (MANE Select); coding-DNA position 905, G replaced by A.
Protein change: p.Arg302His; replaces arginine 302 with histidine.
Molecular consequence: missense variant.
Genome position (GRCh38, 1-based): chr22:21,925,649, C>T on the plus strand (G>A on the coding strand, the complement: PPM1F is on the minus strand). VCF-style: chr22-21925649-C-T. GRCh37 (hg19) VCF-style: chr22-22280022-C-T.
Other names: c.401G>A, p.Arg134His (NM_001410836.1); short protein forms R134H, R302H.
Identifiers: ClinVar variation 4770995 (VCV004770995.1).
Genomic context (GRCh38, chr22:21,925,649, plus strand): 5'-AGGGTCCCGTTGACTCTCCAGCAGTCCATGTGAGACACAAAGCCACCCAATGCTTCAATG[C>T]GCGCCTTCTCATCCTGCAGAAACACAGCCAGAGTTGGGGGCAGGGCCGGGGGGATGGGGC-3'
Protein context (NP_055449.1, residues 292-312): HRPERQDEKA[Arg302His]IEALGGFVSH